The following is an entry in ClinVar:

ClinVar aggregate classification (germline): Pathogenic (1 of 4 stars; one submission).

Conditions:
Glycogen storage disease type III (GSD3). Also called: FORBES DISEASE; Cori disease. Identifiers: Orphanet 366, MedGen C0017922, MONDO:0009291, OMIM 232400.

Submission:

Labcorp Genetics (formerly Invitae), Labcorp
Classification: Pathogenic for Glycogen storage disease type III. Last evaluated: 2020-11-21. Review status: criteria provided, single submitter. Criteria: Invitae Variant Classification Sherloc (09022015). Collection method: clinical testing. Allele origin: germline.
Comment: For these reasons, this variant has been classified as Pathogenic. This variant has not been reported in the literature in individuals with AGL-related conditions. This variant is not present in population databases (ExAC no frequency). This sequence change creates a premature translational stop signal (p.Arg59Glufs*49) in the AGL gene. It is expected to result in an absent or disrupted protein product. Loss-of-function variants in AGL are known to be pathogenic (PMID: 19299494).

Literature cited by the submitters: PubMed 19299494.

NM_000642.3(AGL):c.175del (p.Arg59fs)

Gene: AGL (amylo-alpha-1,6-glucosidase and 4-alpha-glucanotransferase; plus strand). Cytogenetic location: 1p21.2.
Variant type: Deletion.
Coding change: c.175del on transcript NM_000642.3 (MANE Select); coding-DNA position 175, one base deleted (A; older notation c.175delA).
Protein change: p.Arg59fs; shifts the reading frame from arginine 59.
Molecular consequence: frameshift variant.
Genome position (GRCh38, 1-based): chr1:99,861,595, A deleted. VCF-style (leftmost placement, unchanged base first): chr1-99861594-TA-T. GRCh37 (hg19) VCF-style: chr1-100327150-TA-T.
Other names: c.175delA, p.Arg59Glufs (NM_000028.3, NM_000643.3, NM_000644.3 and 5 more transcripts); c.127delA, p.Arg43Glufs (NM_000646.3); short protein forms R43fs, R59fs.
Identifiers: ClinVar variation 1457830 (VCV001457830.6), dbSNP rs2101084835, ClinGen allele CA2573132738.